The following is an entry in ClinVar:

ClinVar aggregate classification (germline): Conflicting classifications of pathogenicity. Review status: criteria provided, conflicting classifications (1 of 4 stars). 13 submissions from 13 submitters: Uncertain significance (7); Likely benign (5). 1 of the submissions does not count toward it. Last evaluated 2026-06-01.

Conditions:
Familial thoracic aortic aneurysm and aortic dissection (TAAD). Also called: Thoracic aortic aneurysms and dissections. Identifiers: Orphanet 91387, MedGen C4707243, MONDO:0019625.
MYLK-related disorder. Also called: MYLK-related condition.
Aortic aneurysm, familial thoracic 7 (AAT7). Also called: AORTIC DISSECTION, FAMILIAL, WITH OR WITHOUT AORTIC ANEURYSM. Identifiers: MedGen C3151077, MONDO:0013418, OMIM 613780.

Allele frequency attached by ClinVar (database versions not stated): ESP Exome Variant Server 0.00008; gnomAD exomes 0.00014; ExAC 0.00017; TOPMed 0.00024; gnomAD 0.00032.

Submissions (13):

CeGaT Center for Human Genetics Tuebingen
Classification: Uncertain significance. Last evaluated: 2026-06-01. Review status: criteria provided, single submitter. Criteria: CeGaT Center For Human Genetics Tuebingen Variant Classification Criteria Version 2. Collection method: clinical testing. Allele origin: germline. Affected: yes. Observed: 1 variant allele.
Comment: MYLK: PM2:Supporting, PM3:Supporting

Ambry Genetics
Classification: Uncertain significance for Familial thoracic aortic aneurysm and aortic dissection. Last evaluated: 2026-04-22. Review status: criteria provided, single submitter. Criteria: Ambry Variant Classification Scheme 2023. Collection method: clinical testing. Allele origin: germline.

Women's Health and Genetics/Laboratory Corporation of America, LabCorp
Classification: Likely benign. Last evaluated: 2026-02-02. Review status: criteria provided, single submitter. Criteria: LabCorp Variant Classification Summary - May 2015. Collection method: clinical testing. Allele origin: germline.
Comment: Variant summary: MYLK c.256C>T (p.Arg86Trp) results in a non-conservative amino acid change in the encoded protein sequence. Algorithms developed to predict the effect of missense changes on protein structure and function are either unavailable or do not agree on the potential impact of this missense change. The variant allele was found at a frequency of 0.00014 in 251188 control chromosomes. The observed variant frequency exceeds the estimated maximal expected allele frequency for disease-causing variants in MYLK. c.256C>T has been observed in an individual affected with brain arteriovenous malformation (Zhang_2021). However, this report does not provide unequivocal conclusions about association of the variant with Familial thoracic aortic aneurysm and aortic dissection or other MYLK-related conditions. To our knowledge, no experimental evidence demonstrating an impact on protein function has been reported. The following publication has been ascertained in the context of this evaluation (PMID: 32848021). ClinVar contains an entry for this variant (Variation ID: 342907). Based on the evidence outlined above, the variant was classified as likely benign.

Labcorp Genetics (formerly Invitae), Labcorp
Classification: Likely benign for Aortic aneurysm, familial thoracic 7. Last evaluated: 2026-01-28. Review status: criteria provided, single submitter. Criteria: Invitae Variant Classification Sherloc (09022015). Collection method: clinical testing. Allele origin: germline.

PreventionGenetics, part of Exact Sciences
Classification: Uncertain significance for MYLK-related condition. Last evaluated: 2025-12-16. Review status: criteria provided, single submitter. Criteria: ACMG Guidelines, 2015. Collection method: clinical testing. Allele origin: germline.
Comment: The MYLK c.256C>T variant is predicted to result in the amino acid substitution p.Arg86Trp. This variant has been reported in the compound heterozygous state in an individual with brain arteriovenous malformations (Zhang et al. 2021. PubMed ID: 32848021). This variant is reported in 0.11% of alleles in individuals of East Asian descent in gnomAD. Although we suspect that this variant may be benign, at this time, the clinical significance of this variant is uncertain due to the absence of conclusive functional and genetic evidence.

ARUP Laboratories, Molecular Genetics and Genomics, ARUP Laboratories
Classification: Uncertain significance. Last evaluated: 2025-02-04. Review status: criteria provided, single submitter. Criteria: ARUP Molecular Germline Variant Investigation Process 2024. Collection method: clinical testing. Allele origin: germline.
Comment: The MYLK c.256C>T; p.Arg86Trp variant (rs368822172, ClinVar Variation ID: 342907) is reported in the literature in two individuals, one affected with brain arteriovenous malformations (Zhang 2021) and one affected with ischemic stroke (Alkhamis 2023), but without supporting evidence of causality. This variant is found in the East Asian population with an allele frequency of 0.11% (22/19928 alleles) in the Genome Aggregation Database (v2.1.1). Computational analyses are uncertain whether this variant is neutral or deleterious (REVEL: 0.317). Due to limited information, the clinical significance of this variant is uncertain at this time. References: Alkhamis FA et al. Whole-exome sequencing analyses in a Saudi Ischemic Stroke Cohort reveal association signals, and shows polygenic risk scores are related to Modified Rankin Scale Risk. Funct Integr Genomics. 2023 Mar 27;23(2):102. PMID: 36973604. Zhang M et al. Exome sequencing of 112 trios identifies recessive genetic variants in brain arteriovenous malformations. J Neurointerv Surg. 2021 Jun;13(6):568-573. PMID: 32848021.

Blueprint Genetics
Classification: Likely benign. Last evaluated: 2024-11-08. Review status: criteria provided, single submitter. Criteria: ACMG Guidelines, 2015. Collection method: clinical testing. Allele origin: germline.

CHEO Genetics Diagnostic Laboratory, Children's Hospital of Eastern Ontario
Classification: Likely benign for Familial thoracic aortic aneurysm and aortic dissection. Last evaluated: 2023-05-26. Review status: criteria provided, single submitter. Criteria: ACMG Guidelines, 2015. Collection method: clinical testing. Allele origin: germline. Study: Canadian Open Genetics Repository.

Mayo Clinic Laboratories, Mayo Clinic
Classification: Uncertain significance. Last evaluated: 2022-11-02. Review status: criteria provided, single submitter. Criteria: ACMG Guidelines, 2015. Collection method: clinical testing. Allele origin: germline. Observed: 1 variant allele.
Comment: BS1

GeneDx
Classification: Likely benign. Last evaluated: 2021-03-31. Review status: criteria provided, single submitter. Criteria: GeneDx Variant Classification Process June 2021. Collection method: clinical testing. Allele origin: germline. Affected: yes.

Illumina Laboratory Services, Illumina
Classification: Uncertain significance for Aortic aneurysm, familial thoracic 7. Last evaluated: 2018-01-12. Review status: criteria provided, single submitter. Criteria: ICSL Variant Classification Criteria 13 December 2019. Collection method: clinical testing. Allele origin: germline.

Eurofins Ntd Llc (ga)
Classification: Uncertain significance. Last evaluated: 2017-01-24. Review status: criteria provided, single submitter. Criteria: EGL Classification Definitions 2015. Collection method: clinical testing. Allele origin: germline. Observed: 1 variant allele, 1 heterozygote.

Knight Diagnostic Laboratories, Oregon Health and Sciences University
Classification: Uncertain significance for Aortic aneurysm, familial thoracic 7. Last evaluated: 2015-09-26. Review status: no assertion criteria provided. Criteria: ACMG Guidelines, 2015. Collection method: clinical testing. Allele origin: germline. Affected: no. Study: CSER-NextGen. Not counted in ClinVar's aggregate classification.

Literature cited by the submitters: PubMed 32848021 (cited by Women's Health and Genetics/Laboratory Corporation of America, LabCorp and Mayo Clinic Laboratories, Mayo Clinic).

NM_053025.4(MYLK):c.256C>T (p.Arg86Trp)

Gene: MYLK (myosin light chain kinase; minus strand). Cytogenetic location: 3q21.1.
Variant type: single nucleotide variant.
Coding change: c.256C>T on transcript NM_053025.4 (MANE Select); coding-DNA position 256, C replaced by T.
Protein change: p.Arg86Trp; replaces arginine 86 with tryptophan.
Molecular consequence: missense variant. On other transcripts: intron variant (1).
Genome position (GRCh38, 1-based): chr3:123,752,448, G>A on the plus strand (C>T on the coding strand, the complement: MYLK is on the minus strand). VCF-style: chr3-123752448-G-A. GRCh37 (hg19) VCF-style: chr3-123471295-G-A.
Other names: p.Arg86Trp; c.256C>T, p.Arg86Trp (NM_053026.4, NM_053027.4, NM_053028.4); c.-155-12447C>T (NM_001321309.2); short protein forms R86W.
Identifiers: ClinVar variation 342907 (VCV000342907.38), dbSNP rs368822172, ClinGen allele CA069008.